The following is an entry in ClinVar:

NM_006648.4(WNK2):c.4103T>A (p.Leu1368Gln)

Gene: WNK2 (WNK lysine deficient protein kinase 2; plus strand). Cytogenetic location: 9q22.31.
Variant type: single nucleotide variant.
Coding change: c.4103T>A on transcript NM_006648.4 (MANE Select); coding-DNA position 4103, T replaced by A.
Protein change: p.Leu1368Gln; replaces leucine 1368 with glutamine.
Molecular consequence: missense variant.
Genome position (GRCh38, 1-based): chr9:93,288,857, T>A. VCF-style: chr9-93288857-T-A. GRCh37 (hg19) VCF-style: chr9-96051139-T-A.
Other names: c.4214T>A, p.Leu1405Gln (NM_001282394.3); short protein forms L1368Q, L1405Q.
Identifiers: ClinVar variation 3817146 (VCV003817146.1).

ClinVar aggregate classification (germline): Uncertain significance (1 of 4 stars; one submission).

gnomAD v4.1: 7 of 1,612,268 alleles (0.00043%); highest among the groups gnomAD compares: Non-Finnish European, 0.00059%; no homozygotes.

Submission:

Ambry Genetics
Classification: Uncertain significance. Last evaluated: 2025-02-24. Review status: criteria provided, single submitter. Criteria: Ambry Variant Classification Scheme 2023. Collection method: clinical testing. Allele origin: germline.
Comment: The p.L1368Q variant (also known as c.4103T>A), located in coding exon 19 of the WNK2 gene, results from a T to A substitution at nucleotide position 4103. The leucine at codon 1368 is replaced by glutamine, an amino acid with dissimilar properties. This amino acid position is conserved. In addition, this alteration is predicted to be tolerated by in silico analysis. Based on the available evidence, the clinical significance of this variant remains unclear.